The following is an entry in ClinVar:

ClinVar aggregate classification (germline): Pathogenic (1 of 4 stars; one submission).

Conditions:
Colorectal cancer, hereditary nonpolyposis, type 7. Identifiers: Orphanet 144, MedGen C1858380, MONDO:0013725, OMIM 614385.

Submission:

Myriad Genetics, Inc.
Classification: Pathogenic for Colorectal cancer, hereditary nonpolyposis, type 7. Last evaluated: 2025-12-16. Review status: criteria provided, single submitter. Criteria: Myriad Autosomal Dominant, Autosomal Recessive and X-Linked Classification Criteria (2023). Collection method: clinical testing. Allele origin: unknown.
Comment: This variant is considered pathogenic. This variant creates a frameshift predicted to result in premature protein truncation.

NM_001040108.2(MLH3):c.1282dup (p.Ser428fs)

Gene: MLH3 (mutL homolog 3; minus strand). Cytogenetic location: 14q24.3.
Variant type: Duplication.
Coding change: c.1282dup on transcript NM_001040108.2 (MANE Select); coding-DNA position 1282, one base duplicated (T; older notation c.1282dupT).
Protein change: p.Ser428fs; shifts the reading frame from serine 428.
Molecular consequence: frameshift variant.
Genome position (GRCh38, 1-based): chr14:75,048,374, A duplicated on the plus strand (T on the coding strand, the reverse complement: MLH3 is on the minus strand); the first of 2 consecutive A bases (chr14:75,048,374-75,048,375); duplicating either gives the same sequence. VCF-style (leftmost placement, unchanged base first): chr14-75048373-G-GA. GRCh37 (hg19) VCF-style: chr14-75515076-G-GA.
Other names: c.1282dup, p.Ser428fs (NM_014381.3); short protein forms S428fs.
Identifiers: ClinVar variation 4813022 (VCV004813022.1).